The following is an entry in ClinVar:

ClinVar aggregate classification (germline): Uncertain significance. Review status: criteria provided, multiple submitters, no conflicts (2 of 4 stars). 2 submissions from 2 submitters: Uncertain significance (2). Last evaluated 2025-03-16.

Conditions:
Hereditary cancer-predisposing syndrome. Also called: Neoplastic Syndromes, Hereditary; Hereditary neoplastic syndrome; Tumor predisposition; Hereditary Cancer Syndrome. Identifiers: Orphanet 140162, MedGen C0027672, MeSH D009386, MONDO:0015356.
Hereditary pheochromocytoma and paraganglioma. Also called: Hereditary Paraganglioma-Pheochromocytoma Syndromes; Hereditary paragangliomas and pheochromocytomas; Hereditary pheochromocytoma-paraganglioma. Identifiers: Orphanet 29072, MedGen C4274332, MONDO:0017366.

Allele frequency attached by ClinVar (database versions not stated): ExAC 0.00001.
gnomAD v4.1: 3 of 1,613,858 alleles (0.00019%); highest among the groups gnomAD compares: Non-Finnish European, 0.00025%; no homozygotes.

Submissions (2):

Labcorp Genetics (formerly Invitae), Labcorp
Classification: Uncertain significance for Hereditary pheochromocytoma and paraganglioma. Last evaluated: 2025-03-16. Review status: criteria provided, single submitter. Criteria: Invitae Variant Classification Sherloc (09022015). Collection method: clinical testing. Allele origin: germline.
Comment: This sequence change replaces isoleucine, which is neutral and non-polar, with methionine, which is neutral and non-polar, at codon 7 of the MAX protein (p.Ile7Met). This variant is present in population databases (rs760248675, gnomAD 0.0009%). This variant has not been reported in the literature in individuals affected with MAX-related conditions. ClinVar contains an entry for this variant (Variation ID: 463803). An algorithm developed to predict the effect of missense changes on protein structure and function (PolyPhen-2) suggests that this variant is likely to be tolerated. In summary, the available evidence is currently insufficient to determine the role of this variant in disease. Therefore, it has been classified as a Variant of Uncertain Significance.

Ambry Genetics
Classification: Uncertain significance for Hereditary cancer-predisposing syndrome. Last evaluated: 2024-11-21. Review status: criteria provided, single submitter. Criteria: Ambry Variant Classification Scheme 2023. Collection method: clinical testing. Allele origin: germline.
Comment: The p.I7M variant (also known as c.21C>G), located in coding exon 1 of the MAX gene, results from a C to G substitution at nucleotide position 21. The isoleucine at codon 7 is replaced by methionine, an amino acid with highly similar properties. This amino acid position is highly conserved in available vertebrate species. In addition, the in silico prediction for this alteration is inconclusive. Since supporting evidence is limited at this time, the clinical significance of this alteration remains unclear.

NM_002382.5(MAX):c.21C>G (p.Ile7Met)

Genes: MAX (MYC associated transcriptional regulator X; minus strand), LOC130055850 (ATAC-STARR-seq lymphoblastoid silent region 5847; plus strand). Cytogenetic location: 14q23.3.
Variant type: single nucleotide variant.
Coding change: c.21C>G on transcript NM_002382.5 (MANE Select); coding-DNA position 21, C replaced by G.
Protein change: p.Ile7Met; replaces isoleucine 7 with methionine.
Molecular consequence: missense variant. On other transcripts: 5 prime UTR variant (1).
Genome position (GRCh38, 1-based): chr14:65,102,319, G>C on the plus strand (C>G on the coding strand, the complement: MAX is on the minus strand). VCF-style: chr14-65102319-G-C. GRCh37 (hg19) VCF-style: chr14-65569037-G-C.
Other names: c.21C>G, p.Ile7Met (NM_001271068.2, NM_001271069.2, NM_145112.3 and 3 more transcripts); c.-254C>G (NM_001320415.2); short protein forms I7M.
Identifiers: ClinVar variation 463803 (VCV000463803.13), dbSNP rs760248675, ClinGen allele CA7233038.